The following is an entry in ClinVar:

NM_032447.5(FBN3):c.3426C>T (p.Ala1142=)

Gene: FBN3 (fibrillin 3; minus strand). Cytogenetic location: 19p13.2.
Variant type: single nucleotide variant.
Coding change: c.3426C>T on transcript NM_032447.5 (MANE Select); coding-DNA position 3426, C replaced by T.
Protein change: p.Ala1142=; no amino-acid change (alanine 1142 retained).
Molecular consequence: synonymous variant.
Genome position (GRCh38, 1-based): chr19:8,117,501, G>A on the plus strand (C>T on the coding strand, the complement: FBN3 is on the minus strand). VCF-style: chr19-8117501-G-A. GRCh37 (hg19) VCF-style: chr19-8182385-G-A.
Other names: c.3426C>T (NM_001321431.1); c.3426C>T, p.Ala1142= (NM_001321431.2).
Identifiers: ClinVar variation 709376 (VCV000709376.34), dbSNP rs139062839, ClinGen allele CA9152458.
Genomic context (GRCh38, chr19:8,117,501, plus strand): 5'-CCAGCAGGTGGGCACAGTCTCACCCACGCAGCCCTGGCGGTCAGGTGTGCTCTGGAAGCC[G>A]GCATGGCAGGAGCACTGGAAGGCACCGATGACATTGACACACTGGCCATGGGGACACAGG-3'
Protein context (NP_115823.3, residues 1132-1152): VIGAFQCSCH[Ala1142=]GFQSTPDRQG

ClinVar aggregate classification (germline): Benign/Likely benign. Review status: criteria provided, multiple submitters, no conflicts (2 of 4 stars). 4 submissions from 4 submitters: Benign (2); Likely benign (1). 1 of the submissions does not count toward it. Last evaluated 2026-01-24.

Conditions:
FBN3-related disorder. Also called: FBN3-related condition.

Allele frequency attached by ClinVar (database versions not stated): 1000 Genomes Project 30x 0.00109; 1000 Genomes Project 0.00140; TOPMed 0.00413; gnomAD 0.00425 and 0.00447; ESP Exome Variant Server 0.00595.
gnomAD v4.1: 9,810 of 1,559,808 alleles (0.63%); highest among the groups gnomAD compares: Non-Finnish European, 0.79%; 40 homozygotes.

Submissions (4):

Labcorp Genetics (formerly Invitae), Labcorp
Classification: Benign. Last evaluated: 2026-01-24. Review status: criteria provided, single submitter. Criteria: Invitae Variant Classification Sherloc (09022015). Collection method: clinical testing. Allele origin: germline.

CeGaT Center for Human Genetics Tuebingen
Classification: Likely benign. Last evaluated: 2025-02-01. Review status: criteria provided, single submitter. Criteria: CeGaT Center For Human Genetics Tuebingen Variant Classification Criteria Version 2. Collection method: clinical testing. Allele origin: germline. Affected: yes. Observed: 3 variant alleles.
Comment: FBN3: BP4, BP7, BS2

Breakthrough Genomics
Classification: Benign. Review status: criteria provided, single submitter. Criteria: ACMG Guidelines, 2015. Collection method: not provided. Allele origin: germline. Inheritance: Unknown mechanism. Affected: yes.

PreventionGenetics, part of Exact Sciences
Classification: Benign for FBN3-related condition. Last evaluated: 2019-02-19. Review status: no assertion criteria provided. Collection method: clinical testing. Allele origin: germline. Not counted in ClinVar's aggregate classification.
Comment: This variant is classified as benign based on ACMG/AMP sequence variant interpretation guidelines (Richards et al. 2015 PMID: 25741868, with internal and published modifications).